The following is an entry in ClinVar:

NM_016648.4(LARP7):c.504dup (p.Ala169fs)

Genes: LARP7 (La ribonucleoprotein 7, transcriptional regulator; plus strand), MIR302CHG (miR-302/367 cluster host gene; minus strand). Cytogenetic location: 4q25.
Variant type: Duplication.
Coding change: c.504dup on transcript NM_016648.4 (MANE Select); coding-DNA position 504, one base duplicated (T; older notation c.504dupT).
Protein change: p.Ala169fs; shifts the reading frame from alanine 169.
Molecular consequence: frameshift variant. On other transcripts: non-coding transcript variant (3).
Genome position (GRCh38, 1-based): chr4:112,646,907, T duplicated; the last of 3 consecutive T bases (chr4:112,646,905-112,646,907); duplicating any one gives the same sequence. VCF-style (leftmost placement, unchanged base first): chr4-112646904-A-AT. GRCh37 (hg19) VCF-style: chr4-113568060-A-AT.
Other names: c.504dup, p.Ala169fs (NM_001370980.1, NM_015454.3, NM_001267039.4 and 6 more transcripts); c.267dup, p.Ala90fs (NM_001370981.1, NM_001370982.1); short protein forms A169fs, A90fs.
Identifiers: ClinVar variation 4884241 (VCV004884241.2).

ClinVar aggregate classification (germline): Likely pathogenic (1 of 4 stars; one submission).

Submission:

Dasa
Classification: Likely pathogenic. Last evaluated: 2024-08-20. Review status: criteria provided, single submitter. Criteria: DASA Assertion Criteria. Collection method: clinical testing. Allele origin: germline.
Comment: NM_016648.4(LARP7):c.504dup (p.Ala169Cysfs*6) is a frameshift variant in LARP7 predicted to alter the reading frame and introduce a premature termination codon and is predicted to result in an absent or altered protein product. Loss of function is an established disease mechanism for LARP7-associated disorders. Also, this variant is absent from population databases. Based on the currently available evidence, this variant is classified as likely pathogenic.